The following is an entry in ClinVar:

NM_018417.6(ADCY10):c.1490T>A (p.Met497Lys)

Genes: ADCY10 (adenylate cyclase 10; minus strand), DCAF6 (DDB1 and CUL4 associated factor 6; plus strand). Cytogenetic location: 1q24.2.
Variant type: single nucleotide variant.
Coding change: c.1490T>A on transcript NM_018417.6 (MANE Select); coding-DNA position 1490, T replaced by A.
Protein change: p.Met497Lys; replaces methionine 497 with lysine.
Molecular consequence: missense variant.
Genome position (GRCh38, 1-based): chr1:167,870,383, A>T on the plus strand (T>A on the coding strand, the complement: ADCY10 is on the minus strand). VCF-style: chr1-167870383-A-T. GRCh37 (hg19) VCF-style: chr1-167839621-A-T.
Other names: c.1031T>A, p.Met344Lys (NM_001167749.3); c.1214T>A, p.Met405Lys (NM_001297772.2); short protein forms M344K, M405K, M497K.
Identifiers: ClinVar variation 2891098 (VCV002891098.3), dbSNP rs551472032, ClinGen allele CA1227909.
Genomic context (GRCh38, chr1:167,870,383, plus strand): 5'-AATCCCTCATACATTAAGACTTGGCTGCTGTTAGATATCAAAAATTTCTTCATAGTATAC[A>T]TGAAGTAGTTGATCTCTTTATTACGTCCTGTTATTTTTAGTTTTAAAAAAGAGCAAACTC-3'
Protein context (NP_060887.2, residues 487-507): LGRNKEINYF[Met497Lys]YTMKKFLISN

ClinVar aggregate classification (germline): Uncertain significance (1 of 4 stars; one submission).

Allele frequency attached by ClinVar (database versions not stated): TOPMed 0.00007.
gnomAD v4.1: 47 of 1,611,844 alleles (0.0029%); highest among the groups gnomAD compares: East Asian, 0.074%; no homozygotes.

Submission:

Labcorp Genetics (formerly Invitae), Labcorp
Classification: Uncertain significance. Last evaluated: 2024-01-08. Review status: criteria provided, single submitter. Criteria: Invitae Variant Classification Sherloc (09022015). Collection method: clinical testing. Allele origin: germline.
Comment: This sequence change replaces methionine, which is neutral and non-polar, with lysine, which is basic and polar, at codon 497 of the ADCY10 protein (p.Met497Lys). This variant is present in population databases (rs551472032, gnomAD 0.1%), and has an allele count higher than expected for a pathogenic variant. This variant has not been reported in the literature in individuals affected with ADCY10-related conditions. An algorithm developed to predict the effect of missense changes on protein structure and function (PolyPhen-2) suggests that this variant is likely to be tolerated. In summary, the available evidence is currently insufficient to determine the role of this variant in disease. Therefore, it has been classified as a Variant of Uncertain Significance.